The following is an entry in ClinVar:

NM_000338.3(SLC12A1):c.2759G>A (p.Gly920Glu)

Gene: SLC12A1 (solute carrier family 12 member 1; plus strand). Cytogenetic location: 15q21.1.
Variant type: single nucleotide variant.
Coding change: c.2759G>A on transcript NM_000338.3 (MANE Select); coding-DNA position 2759, G replaced by A.
Protein change: p.Gly920Glu; replaces glycine 920 with glutamic acid.
Molecular consequence: missense variant.
Genome position (GRCh38, 1-based): chr15:48,288,172, G>A. VCF-style: chr15-48288172-G-A. GRCh37 (hg19) VCF-style: chr15-48580369-G-A.
Other names: c.2759G>A, p.Gly920Glu (NM_001184832.2); short protein forms G920E.
Identifiers: ClinVar variation 807237 (VCV000807237.43), dbSNP rs1597456223, ClinGen allele CA392318044.

ClinVar aggregate classification (germline): Conflicting classifications of pathogenicity. Review status: criteria provided, conflicting classifications (1 of 4 stars). 2 submissions from 2 submitters: Pathogenic (1); Uncertain significance (1). Last evaluated 2018-05-01.

Conditions:
Bartter disease type 1. Also called: HYPOKALEMIC ALKALOSIS WITH HYPERCALCIURIA 1, ANTENATAL; Bartter syndrome, type 1, antenatal; HYPERPROSTAGLANDIN E SYNDROME 1; Bartter Syndrome type 1. Identifiers: Orphanet 112, Orphanet 620217, MedGen C1866495, MONDO:0100344, OMIM 601678, MONDO:0011127.

Allele frequency attached by ClinVar (database versions not stated): gnomAD exomes below 0.00001.
gnomAD v4.1: 1 of 1,608,054 alleles (0.000062%); highest among the groups gnomAD compares: Non-Finnish European, 0.000085%; no homozygotes.

Submissions (2):

CeGaT Center for Human Genetics Tuebingen
Classification: Uncertain significance. Last evaluated: 2018-05-01. Review status: criteria provided, single submitter. Criteria: CeGaT Center For Human Genetics Tuebingen Variant Classification Criteria Version 2. Collection method: clinical testing. Allele origin: germline. Affected: yes. Observed: 1 variant allele.

Juno Genomics, Hangzhou Juno Genomics, Inc
Classification: Pathogenic for Bartter disease type 1. Review status: criteria provided, single submitter. Criteria: ACMG Guidelines, 2015. Collection method: clinical testing. Allele origin: germline.
Comment: Absent from controls (or at extremely low frequency if recessive) in Genome Aggregation Database.;Multiple lines of computational evidence support a deleterious effect on the gene or gene product.;For recessive disorders, detected in trans with a pathogenic variant.;Co-segregation with disease in multiple affected family members.